The following is an entry in ClinVar:

NM_014754.3(PTDSS1):c.283C>G (p.Arg95Gly)

Gene: PTDSS1 (phosphatidylserine synthase 1; plus strand). Cytogenetic location: 8q22.1.
Variant type: single nucleotide variant.
Coding change: c.283C>G on transcript NM_014754.3 (MANE Select); coding-DNA position 283, C replaced by G.
Protein change: p.Arg95Gly; replaces arginine 95 with glycine.
Molecular consequence: missense variant. On other transcripts: intron variant (1).
Genome position (GRCh38, 1-based): chr8:96,284,120, C>G. VCF-style: chr8-96284120-C-G. GRCh37 (hg19) VCF-style: chr8-97296348-C-G.
Other names: c.3+10730C>G (NM_001290225.2); short protein forms R95G.
Identifiers: ClinVar variation 4745317 (VCV004745317.1).
Genomic context (GRCh38, chr8:96,284,120, plus strand): 5'-CTTCTCTGAAACCAGTTCCTTCTAACTTTATAATGTTATTTATCTGCAGGTCCGTTCACT[C>G]GACCTCATCCAGCCTTATGGCGAATGGTTTTTGGTGAGTTTATATTAGCAATGTAAAAGG-3'
Protein context (NP_055569.1, residues 85-105): VLAFPNGPFT[Arg95Gly]PHPALWRMVF

ClinVar aggregate classification (germline): Pathogenic (1 of 4 stars; one submission).

Submission:

Labcorp Genetics (formerly Invitae), Labcorp
Classification: Pathogenic. Last evaluated: 2025-09-29. Review status: criteria provided, single submitter. Criteria: Invitae Variant Classification Sherloc (09022015). Collection method: clinical testing. Allele origin: germline.
Comment: This sequence change replaces arginine, which is basic and polar, with glycine, which is neutral and non-polar, at codon 95 of the PTDSS1 protein (p.Arg95Gly). This variant is not present in population databases (gnomAD no frequency). This missense change has been observed in individual(s) with clinical features of Lenz-Majewski hyperostotic dwarfism (internal data). In at least one individual the variant was observed to be de novo. Invitae Evidence Modeling of protein sequence and biophysical properties (such as structural, functional, and spatial information, amino acid conservation, physicochemical variation, residue mobility, and thermodynamic stability) indicates that this missense variant is expected to disrupt PTDSS1 protein function with a positive predictive value of 80%. This variant disrupts the p.Arg95 amino acid residue in PTDSS1. Other variant(s) that disrupt this residue have been observed in individuals with PTDSS1-related conditions (PMID: 31403251; internal data), which suggests that this may be a clinically significant amino acid residue. For these reasons, this variant has been classified as Pathogenic.

Literature cited by the submitters: PubMed 31403251.